The following is an entry in ClinVar:

NM_024928.5(STN1):c.77_78dup (p.Ala27fs)

Gene: STN1 (STN1 subunit of CST complex; minus strand). Cytogenetic location: 10q24.33.
Variant type: Duplication.
Coding change: c.77_78dup on transcript NM_024928.5 (MANE Select); coding-DNA positions 77 to 78, 2 bases duplicated (TT; older notation c.77_78dupTT).
Protein change: p.Ala27fs; shifts the reading frame from alanine 27.
Molecular consequence: frameshift variant.
Genome position (GRCh38, 1-based): chr10:103,917,517-103,917,518, AA duplicated on the plus strand (TT on the coding strand, the reverse complement: STN1 is on the minus strand); duplicating any 2 consecutive bases within chr10:103,917,517-103,917,519 gives the same sequence; the c. name uses the placement nearest the transcript's 3' end. VCF-style (leftmost placement, unchanged base first): chr10-103917516-C-CAA. GRCh37 (hg19) VCF-style: chr10-105677274-C-CAA.
Other names: c.77_78dupTT (NM_024928.5); short protein forms A27fs.
Identifiers: ClinVar variation 1465478 (VCV001465478.7), dbSNP rs781311194, ClinGen allele CA5676742.

ClinVar aggregate classification (germline): Conflicting classifications of pathogenicity. Review status: criteria provided, conflicting classifications (1 of 4 stars). 2 submissions from 2 submitters: Likely pathogenic (1); Uncertain significance (1). Last evaluated 2025-07-29.

Conditions:
Cerebroretinal microangiopathy with calcifications and cysts 2 (CRMCC2). Identifiers: MedGen C4479220, MONDO:0015026, OMIM 617341.

Submissions (2):

First Genomix Gene Laboratory, Genetic Diagnostics Department
Classification: Likely pathogenic for Cerebroretinal microangiopathy with calcifications and cysts 2. Last evaluated: 2025-07-29. Review status: criteria provided, single submitter. Criteria: ACMG Guidelines, 2015. Collection method: clinical testing. Allele origin: germline. Inheritance: Autosomal recessive inheritance. Affected: no. Observed: 1 variant allele.

Labcorp Genetics (formerly Invitae), Labcorp
Classification: Uncertain significance. Last evaluated: 2021-08-22. Review status: criteria provided, single submitter. Criteria: Invitae Variant Classification Sherloc (09022015). Collection method: clinical testing. Allele origin: germline.
Comment: In summary, the available evidence is currently insufficient to determine the role of this variant in disease. Therefore, it has been classified as a Variant of Uncertain Significance. This variant has not been reported in the literature in individuals affected with STN1-related conditions. The frequency data for this variant in the population databases is considered unreliable, as metrics indicate poor data quality at this position in the ExAC database. This sequence change creates a premature translational stop signal (p.Ala27Leufs*12) in the STN1 gene. It is expected to result in an absent or disrupted protein product. However, the current clinical and genetic evidence is not sufficient to establish whether loss-of-function variants in STN1 cause disease.